The following is an entry in ClinVar:

NM_031263.4(HNRNPK):c.202C>G (p.Leu68Val)

Gene: HNRNPK (heterogeneous nuclear ribonucleoprotein K; minus strand). Cytogenetic location: 9q21.32.
Variant type: single nucleotide variant.
Coding change: c.202C>G on transcript NM_031263.4 (MANE Select); coding-DNA position 202, C replaced by G.
Protein change: p.Leu68Val; replaces leucine 68 with valine.
Molecular consequence: missense variant.
Genome position (GRCh38, 1-based): chr9:83,977,006, G>C on the plus strand (C>G on the coding strand, the complement: HNRNPK is on the minus strand). VCF-style: chr9-83977006-G-C. GRCh37 (hg19) VCF-style: chr9-86591921-G-C.
Other names: c.202C>G, p.Leu68Val (NM_001318186.2, NM_001318187.2, NM_001318188.2 and 2 more transcripts); short protein forms L68V.
Identifiers: ClinVar variation 3676603 (VCV003676603.2).

ClinVar aggregate classification (germline): Uncertain significance (1 of 4 stars; one submission).

Submission:

Labcorp Genetics (formerly Invitae), Labcorp
Classification: Uncertain significance. Last evaluated: 2024-04-15. Review status: criteria provided, single submitter. Criteria: Invitae Variant Classification Sherloc (09022015). Collection method: clinical testing. Allele origin: germline.
Comment: This sequence change replaces leucine, which is neutral and non-polar, with valine, which is neutral and non-polar, at codon 68 of the HNRNPK protein (p.Leu68Val). This variant is not present in population databases (gnomAD no frequency). This missense change has been observed in individual(s) with clinical features of Au-Kline syndrome (Invitae). Advanced modeling of protein sequence and biophysical properties (such as structural, functional, and spatial information, amino acid conservation, physicochemical variation, residue mobility, and thermodynamic stability) has been performed at Invitae for this missense variant, however the output from this modeling did not meet the statistical confidence thresholds required to predict the impact of this variant on HNRNPK protein function. This variant disrupts the p.Leu68 amino acid residue in HNRNPK. Other variant(s) that disrupt this residue have been observed in individuals with HNRNPK-related conditions (PMID: 36130591; Invitae), which suggests that this may be a clinically significant amino acid residue. In summary, the available evidence is currently insufficient to determine the role of this variant in disease. Therefore, it has been classified as a Variant of Uncertain Significance.

Literature cited by the submitters: PubMed 36130591.